The following is an entry in ClinVar:

NM_006383.4(CIB2):c.108G>C (p.Glu36Asp)

Gene: CIB2 (calcium and integrin binding family member 2; minus strand). Cytogenetic location: 15q25.1.
Variant type: single nucleotide variant.
Coding change: c.108G>C on transcript NM_006383.4 (MANE Select); coding-DNA position 108, G replaced by C.
Protein change: p.Glu36Asp; replaces glutamic acid 36 with aspartic acid.
Molecular consequence: missense variant. On other transcripts: 5 prime UTR variant (1), intron variant (2).
Genome position (GRCh38, 1-based): chr15:78,111,255, C>G on the plus strand (G>C on the coding strand, the complement: CIB2 is on the minus strand). VCF-style: chr15-78111255-C-G. GRCh37 (hg19) VCF-style: chr15-78403597-C-G.
Other names: c.-22G>C (NM_001271888.2); c.52-1873G>C (NM_001271889.2); c.87-1746G>C (NM_001301224.2); short protein forms E36D.
Identifiers: ClinVar variation 1055154 (VCV001055154.9), dbSNP rs2141891583, ClinGen allele CA393548166.

ClinVar aggregate classification (germline): Uncertain significance (1 of 4 stars; one submission).

Submission:

Labcorp Genetics (formerly Invitae), Labcorp
Classification: Uncertain significance. Last evaluated: 2025-01-06. Review status: criteria provided, single submitter. Criteria: Invitae Variant Classification Sherloc (09022015). Collection method: clinical testing. Allele origin: germline.
Comment: This sequence change replaces glutamic acid, which is acidic and polar, with aspartic acid, which is acidic and polar, at codon 36 of the CIB2 protein (p.Glu36Asp). This variant is not present in population databases (gnomAD no frequency). This variant has not been reported in the literature in individuals affected with CIB2-related conditions. ClinVar contains an entry for this variant (Variation ID: 1055154). An algorithm developed to predict the effect of missense changes on protein structure and function (PolyPhen-2) suggests that this variant is likely to be disruptive. In summary, the available evidence is currently insufficient to determine the role of this variant in disease. Therefore, it has been classified as a Variant of Uncertain Significance.